The following is an entry in ClinVar:

NM_133510.4(RAD51B):c.316-10_316-3dup

Gene: RAD51B (RAD51 paralog B; plus strand). Cytogenetic location: 14q24.1.
Variant type: Duplication.
Coding change: c.316-10_316-3dup on transcript NM_133510.4 (MANE Select); 10 bases into the intron before coding-DNA position 316 through 3 bases into the intron before coding-DNA position 316, 8 bases duplicated (TTTTTTTT; older notation c.316-10_316-3dupTTTTTTTT).
Molecular consequence: intron variant.
Genome position (GRCh38, 1-based): chr14:67,864,993-67,865,000, TTTTTTTT duplicated; duplicating any 8 consecutive bases within chr14:67,864,962-67,865,000 gives the same sequence; the c. name uses the placement nearest the transcript's 3' end. VCF-style (leftmost placement, unchanged base first): chr14-67864961-C-CTTTTTTTT. GRCh37 (hg19) VCF-style: chr14-68331678-C-CTTTTTTTT.
Other names: c.316-10_316-3dup (NM_001321818.2, NM_001321809.2, NM_001321821.2 and 6 more transcripts); c.-42-10_-42-3dup (NM_001321817.2); c.202-10_202-3dup (NM_001321815.1); c.316-10_316-3dup8 (NM_133509.3).
Identifiers: ClinVar variation 2644341 (VCV002644341.25), dbSNP rs745505141, ClinGen allele CA919441874.
Genomic context (GRCh38, chr14:67,864,961, plus strand): 5'-TATATGGCAAAGTCTTAAAAGGATTTTGCTTTGACTGGCTTGTGATGTTTATCTAAAAAA[C>CTTTTTTTT]TTTTTTTTTTTTTTTTTTTTTTTTTTTTTTTTTTTTTTTAGATTACAGGTCCACCAGGTT-3'

ClinVar aggregate classification (germline): Benign. Review status: criteria provided, single submitter (1 of 4 stars). 2 submissions from 2 submitters: Benign (1). 1 of the submissions does not count toward it. Last evaluated 2022-06-01.

Conditions:
RAD51B-related disorder. Also called: RAD51B-related condition.

Submissions (2):

CeGaT Center for Human Genetics Tuebingen
Classification: Benign. Last evaluated: 2022-06-01. Review status: criteria provided, single submitter. Criteria: CeGaT Center For Human Genetics Tuebingen Variant Classification Criteria Version 2. Collection method: clinical testing. Allele origin: germline. Affected: yes. Observed: 1 variant allele.
Comment: RAD51B: BS1, BS2

PreventionGenetics, part of Exact Sciences
Classification: Likely benign for RAD51B-related condition. Last evaluated: 2020-05-22. Review status: no assertion criteria provided. Collection method: clinical testing. Allele origin: germline. Not counted in ClinVar's aggregate classification.
Comment: This variant is classified as likely benign based on ACMG/AMP sequence variant interpretation guidelines (Richards et al. 2015 PMID: 25741868, with internal and published modifications).